The following is an entry in ClinVar:

ClinVar aggregate classification (germline): Uncertain significance. Review status: criteria provided, multiple submitters, no conflicts (2 of 4 stars). 2 submissions from 2 submitters: Uncertain significance (2). Last evaluated 2025-06-25.

Conditions:
Hereditary cancer-predisposing syndrome. Also called: Tumor predisposition; Hereditary Cancer Syndrome; Neoplastic Syndromes, Hereditary; Hereditary neoplastic syndrome. Identifiers: Orphanet 140162, MedGen C0027672, MeSH D009386, MONDO:0015356.
Familial adenomatous polyposis 1 (FAP1). Also called: POLYPOSIS, ADENOMATOUS INTESTINAL; FAMILIAL ADENOMATOUS POLYPOSIS 1, ATTENUATED. Identifiers: MedGen C2713442, MONDO:0021056, OMIM 175100. Disease mechanism: loss of function.

Submissions (2):

Color Diagnostics, LLC DBA Color Health
Classification: Uncertain significance for Hereditary cancer-predisposing syndrome. Last evaluated: 2025-06-25. Review status: criteria provided, single submitter. Criteria: ACMG Guidelines, 2015. Collection method: clinical testing. Allele origin: germline.
Comment: This missense variant replaces glutamic acid with lysine at codon 1850 of the APC protein. Computational prediction suggests that this variant may have deleterious impact on protein structure and function. To our knowledge, functional studies have not been reported for this variant. This variant has not been reported in individuals affected with APC-related disorders in the literature. This variant has not been identified in the general population by the Genome Aggregation Database (gnomAD). The available evidence is insufficient to determine the role of this variant in disease conclusively. Therefore, this variant is classified as a Variant of Uncertain Significance.

Labcorp Genetics (formerly Invitae), Labcorp
Classification: Uncertain significance for Familial adenomatous polyposis 1. Last evaluated: 2023-07-07. Review status: criteria provided, single submitter. Criteria: Invitae Variant Classification Sherloc (09022015). Collection method: clinical testing. Allele origin: germline.
Comment: In summary, the available evidence is currently insufficient to determine the role of this variant in disease. Therefore, it has been classified as a Variant of Uncertain Significance. Advanced modeling of protein sequence and biophysical properties (such as structural, functional, and spatial information, amino acid conservation, physicochemical variation, residue mobility, and thermodynamic stability) performed at Invitae indicates that this missense variant is not expected to disrupt APC protein function. This variant has not been reported in the literature in individuals affected with APC-related conditions. This variant is not present in population databases (gnomAD no frequency). This sequence change replaces glutamic acid, which is acidic and polar, with lysine, which is basic and polar, at codon 1850 of the APC protein (p.Glu1850Lys).

NM_000038.6(APC):c.5548G>A (p.Glu1850Lys)

Gene: APC (APC regulator of Wnt signaling pathway; plus strand). Cytogenetic location: 5q22.2.
Variant type: single nucleotide variant.
Coding change: c.5548G>A on transcript NM_000038.6 (MANE Select); coding-DNA position 5548, G replaced by A.
Protein change: p.Glu1850Lys; replaces glutamic acid 1850 with lysine.
Molecular consequence: missense variant. On other transcripts: non-coding transcript variant (2).
Genome position (GRCh38, 1-based): chr5:112,841,142, G>A. VCF-style: chr5-112841142-G-A. GRCh37 (hg19) VCF-style: chr5-112176839-G-A.
Other names: c.5548G>A, p.Glu1850Lys (NM_001127510.3, NM_001354895.2, NM_001407450.1); c.5494G>A, p.Glu1832Lys (NM_001127511.3); c.5602G>A, p.Glu1868Lys (NM_001354896.2, NM_001407447.1, NM_001407448.1 and 1 more transcripts); c.5578G>A, p.Glu1860Lys (NM_001354897.2); c.5473G>A, p.Glu1825Lys (NM_001354898.2); c.5464G>A, p.Glu1822Lys (NM_001354899.2); c.5425G>A, p.Glu1809Lys (NM_001354900.2); c.5371G>A, p.Glu1791Lys (NM_001354901.2, NM_001407453.1); and 11 more; short protein forms E1567K, E1749K, E1822K, E1832K, E1860K, E1868K, E1759K, E1767K.
Identifiers: ClinVar variation 2736847 (VCV002736847.4), dbSNP rs2149942976, ClinGen allele CA16033468.